The following is an entry in ClinVar:

ClinVar aggregate classification (germline): Uncertain significance (1 of 4 stars; one submission).

gnomAD v4.1: 1 of 1,576,046 alleles (0.000063%); no homozygotes.

Submission:

Labcorp Genetics (formerly Invitae), Labcorp
Classification: Uncertain significance. Last evaluated: 2025-09-10. Review status: criteria provided, single submitter. Criteria: Invitae Variant Classification Sherloc (09022015). Collection method: clinical testing. Allele origin: germline.
Comment: This sequence change replaces phenylalanine, which is neutral and non-polar, with leucine, which is neutral and non-polar, at codon 129 of the PPM1F protein (p.Phe129Leu). The frequency data for this variant in the population databases is considered unreliable, as metrics indicate poor data quality at this position in the gnomAD database. This variant has not been reported in the literature in individuals affected with PPM1F-related conditions. An algorithm developed to predict the effect of missense changes on protein structure and function outputs the following: PolyPhen-2: "Benign". The leucine amino acid residue is found in multiple mammalian species, which suggests that this missense change does not adversely affect protein function. In summary, the available evidence is currently insufficient to determine the role of this variant in disease. Therefore, it has been classified as a Variant of Uncertain Significance.

NM_014634.4(PPM1F):c.387C>A (p.Phe129Leu)

Gene: PPM1F (protein phosphatase, Mg2+/Mn2+ dependent 1F; minus strand). Cytogenetic location: 22q11.22.
Variant type: single nucleotide variant.
Coding change: c.387C>A on transcript NM_014634.4 (MANE Select); coding-DNA position 387, C replaced by A.
Protein change: p.Phe129Leu; replaces phenylalanine 129 with leucine.
Molecular consequence: missense variant. On other transcripts: 5 prime UTR variant (1).
Genome position (GRCh38, 1-based): chr22:21,934,195, G>T on the plus strand (C>A on the coding strand, the complement: PPM1F is on the minus strand). VCF-style: chr22-21934195-G-T. GRCh37 (hg19) VCF-style: chr22-22288567-G-T.
Other names: c.-118C>A (NM_001410836.1); short protein forms F129L.
Identifiers: ClinVar variation 4720508 (VCV004720508.1).